The following is an entry in ClinVar:

ClinVar aggregate classification (germline): Likely benign (0 of 4 stars; one submission).

Conditions:
CEP250-related disorder. Also called: CEP250-related condition.

Allele frequency attached by ClinVar (database versions not stated): gnomAD 0.00001; TOPMed 0.00001.
gnomAD v4.1: 1 of 1,607,164 alleles (0.000062%); highest among the groups gnomAD compares: African/African-American, 0.0013%; no homozygotes.

Submission:

PreventionGenetics, part of Exact Sciences
Classification: Likely benign for CEP250-related condition. Last evaluated: 2019-02-22. Review status: no assertion criteria provided. Collection method: clinical testing. Allele origin: germline.
Comment: This variant is classified as likely benign based on ACMG/AMP sequence variant interpretation guidelines (Richards et al. 2015 PMID: 25741868, with internal and published modifications).

NM_007186.6(CEP250):c.5697G>A (p.Gln1899=)

Gene: CEP250 (centrosomal protein 250; plus strand). Cytogenetic location: 20q11.22.
Variant type: single nucleotide variant.
Coding change: c.5697G>A on transcript NM_007186.6 (MANE Select); coding-DNA position 5697, G replaced by A.
Protein change: p.Gln1899=; no amino-acid change (glutamine 1899 retained).
Molecular consequence: synonymous variant.
Genome position (GRCh38, 1-based): chr20:35,504,066, G>A. VCF-style: chr20-35504066-G-A. GRCh37 (hg19) VCF-style: chr20-34091894-G-A.
Other names: c.3801G>A, p.Gln1267= (NM_001318219.1).
Identifiers: ClinVar variation 3047319 (VCV003047319.2), dbSNP rs1427296802, ClinGen allele CA510483990.